The following is an entry in ClinVar:

NM_001113378.2(FANCI):c.3475G>T (p.Val1159Leu)

Gene: FANCI (FA complementation group I; plus strand). Cytogenetic location: 15q26.1.
Variant type: single nucleotide variant.
Coding change: c.3475G>T on transcript NM_001113378.2 (MANE Select); coding-DNA position 3475, G replaced by T.
Protein change: p.Val1159Leu; replaces valine 1159 with leucine.
Molecular consequence: missense variant.
Genome position (GRCh38, 1-based): chr15:89,306,132, G>T. VCF-style: chr15-89306132-G-T. GRCh37 (hg19) VCF-style: chr15-89849363-G-T.
Other names: c.3196G>T, p.Val1066Leu (NM_001376910.1); c.3475G>T, p.Val1159Leu (NM_001376911.1); c.3295G>T, p.Val1099Leu (NM_018193.3); short protein forms V1066L, V1099L, V1159L.
Identifiers: ClinVar variation 1517221 (VCV001517221.5), dbSNP rs2054708416, ClinGen allele CA393740598.
Genomic context (GRCh38, chr15:89,306,132, plus strand): 5'-GGAACTCTGCTTACATTTTTCCACGAGCTGGTGCAGACAGCTCTGCCATCAGGCAGCTGT[G>T]TGGACACCTTGTTAAAGGACTTGTGCAAAATGTACACCACACTTACAGCCCTTGTCAGAT-3'
Protein context (NP_001106849.1, residues 1149-1169): VQTALPSGSC[Val1159Leu]DTLLKDLCKM

ClinVar aggregate classification (germline): Uncertain significance. Review status: criteria provided, multiple submitters, no conflicts (2 of 4 stars). 2 submissions from 2 submitters: Uncertain significance (2). Last evaluated 2024-03-20.

Conditions:
Fanconi anemia complementation group I (FANCI). Also called: FANCI-Related Fanconi Anemia. Identifiers: Orphanet 84, MedGen C1836861, MONDO:0012186, OMIM 609053.
Fanconi anemia (FA). Also called: Fanconi's anemia. Identifiers: Orphanet 84, MedGen C0015625, MeSH D005199, MONDO:0019391.

Allele frequency attached by ClinVar (database versions not stated): TOPMed 0.00001.
gnomAD v4.1: 1 of 1,614,178 alleles (0.000062%); highest among the groups gnomAD compares: South Asian, 0.0011%; no homozygotes.

Submissions (2):

Fulgent Genetics
Classification: Uncertain significance for Fanconi anemia complementation group I. Last evaluated: 2024-03-20. Review status: criteria provided, single submitter. Criteria: ACMG Guidelines, 2015. Collection method: clinical testing. Allele origin: germline.

Labcorp Genetics (formerly Invitae), Labcorp
Classification: Uncertain significance for Fanconi anemia. Last evaluated: 2024-01-22. Review status: criteria provided, single submitter. Criteria: Invitae Variant Classification Sherloc (09022015). Collection method: clinical testing. Allele origin: germline.
Comment: This sequence change replaces valine, which is neutral and non-polar, with leucine, which is neutral and non-polar, at codon 1159 of the FANCI protein (p.Val1159Leu). This variant is not present in population databases (gnomAD no frequency). This variant has not been reported in the literature in individuals affected with FANCI-related conditions. ClinVar contains an entry for this variant (Variation ID: 1517221). An algorithm developed to predict the effect of missense changes on protein structure and function (PolyPhen-2) suggests that this variant¬†is likely to be tolerated. In summary, the available evidence is currently insufficient to determine the role of this variant in disease. Therefore, it has been classified as a Variant of Uncertain Significance.